The following is an entry in ClinVar:

NM_000142.5(FGFR3):c.1649C>A (p.Pro550His)

Gene: FGFR3 (fibroblast growth factor receptor 3; plus strand). Cytogenetic location: 4p16.3.
Variant type: single nucleotide variant.
Coding change: c.1649C>A on transcript NM_000142.5 (MANE Select); coding-DNA position 1649, C replaced by A.
Protein change: p.Pro550His; replaces proline 550 with histidine.
Molecular consequence: missense variant. On other transcripts: non-coding transcript variant (1).
Genome position (GRCh38, 1-based): chr4:1,805,753, C>A. VCF-style: chr4-1805753-C-A. GRCh37 (hg19) VCF-style: chr4-1807480-C-A.
Other names: c.1655C>A, p.Pro552His (NM_001163213.2); c.1652C>A, p.Pro551His (NM_001354809.2, NM_001354810.2); c.1313C>A, p.Pro438His (NM_022965.4); short protein forms P438H, P550H, P551H, P552H.
Identifiers: ClinVar variation 4857786 (VCV004857786.1).

ClinVar aggregate classification (germline): Likely pathogenic (1 of 4 stars; one submission).

Conditions:
FGFR3-related chondrodysplasia. Identifiers: Orphanet 93420, MedGen C5681604, MONDO:0019685.

Submission:

Genomenon, Inc
Classification: Likely pathogenic for FGFR3-related chondrodysplasia. Last evaluated: 2026-06-23. Review status: criteria provided, single submitter. Criteria: Genomenon Sequence Variant Interpretation Standards - Updated. Collection method: curation. Allele origin: germline. Affected: yes.
Comment: FGFR3 p.Pro550His (c.1649C>A) is a missense variant that changes the amino acid at codon 550 from Proline to Histidine. This variant has been observed in at least one proband with hypochondroplasia (PMID:37814549). It is absent or not present at a significant frequency in gnomAD. In silico models predict that this variant is possibly or probably damaging. In conclusion, we classify FGFR3 p.Pro550His (c.1649C>A) as a likely pathogenic variant.

Literature cited by the submitters: PubMed 37814549.